The following is an entry in ClinVar:

NM_001267550.2(TTN):c.107376_107377+6del

Genes: TTN (titin; minus strand), TTN-AS1 (TTN antisense RNA 1; plus strand). Cytogenetic location: 2q31.2.
Variant type: Deletion.
Coding change: c.107376_107377+6del on transcript NM_001267550.2 (MANE Select); coding-DNA position 107376 through 6 bases into the intron after coding-DNA position 107377, 8 bases deleted (TCGTAAGT; older notation c.107376_107377+6delTCGTAAGT).
Molecular consequence: splice donor variant.
Genome position (GRCh38, 1-based): chr2:178,528,268-178,528,275, ACTTACGA deleted on the plus strand (TCGTAAGT on the coding strand, the reverse complement: TTN is on the minus strand); deleting any 8 consecutive bases within chr2:178,528,268-178,528,276 gives the same sequence; the c. name uses the placement nearest the transcript's 3' end. VCF-style (leftmost placement, unchanged base first): chr2-178528267-TACTTACGA-T. GRCh37 (hg19) VCF-style: chr2-179392994-TACTTACGA-T.
Other names: c.80181_80182+6del (NM_003319.4); c.80757_80758+6del (NM_133437.4); c.80556_80557+6del (NM_133432.3); c.99672_99673+6del (NM_133378.4); c.102453_102454+6del (NM_001256850.1).
Identifiers: ClinVar variation 4849712 (VCV004849712.1).

ClinVar aggregate classification (germline): Likely pathogenic (1 of 4 stars; one submission).

Conditions:
Autosomal recessive limb-girdle muscular dystrophy type 2J (LGMDR10). Also called: Limb-girdle muscular dystrophy, type 2J; MUSCULAR DYSTROPHY, LIMB-GIRDLE, AUTOSOMAL RECESSIVE 10. Identifiers: Orphanet 140922, MedGen C1837342, MONDO:0012127, OMIM 608807.
Early-onset myopathy with fatal cardiomyopathy (CMYO5). Also called: Salih Myopathy; CONGENITAL MYOPATHY 5 WITH CARDIOMYOPATHY. Identifiers: Orphanet 289377, MedGen C2673677, MONDO:0012714, OMIM 611705. Disease mechanism: loss of function.

Submission:

Diagnostics Services (NGS), CSIR - Centre For Cellular And Molecular Biology
Classification: Likely pathogenic for Autosomal recessive limb-girdle muscular dystrophy type 2J; Early-onset myopathy with fatal cardiomyopathy. Last evaluated: 2026-03-16. Review status: criteria provided, single submitter. Criteria: ACMG Guidelines, 2015. Collection method: clinical testing. Allele origin: germline. Affected: yes. Observed: 1 variant allele, 1 heterozygote.
Comment: The c.107376_107377+6del variant is not present in 1000 Genomes, EVS, gnomAD, Indian Exome Database or our internal database. This variant has neither been published in the literature for TTN-related conditions nor reported to the clinical databases like HGMD, OMIM, or ClinVar in any affected individuals. Algorithms developed to predict the effect of sequence changes on RNA splicing suggest that this variant can disrupt the consensus splice site. In-silico pathogenicity prediction programs like HSF3.1, MutationTaster2021, CADD, etc predicted this variant to be likely deleterious, however these predictions were not confirmed by published functional/translational studies.